The following is an entry in ClinVar:

NM_000268.4(NF2):c.10G>T (p.Ala4Ser)

Gene: NF2 (NF2, moesin-ezrin-radixin like (MERLIN) tumor suppressor; plus strand). Cytogenetic location: 22q12.2.
Variant type: single nucleotide variant.
Coding change: c.10G>T on transcript NM_000268.4 (MANE Select); coding-DNA position 10, G replaced by T.
Protein change: p.Ala4Ser; replaces alanine 4 with serine.
Molecular consequence: missense variant. On other transcripts: non-coding transcript variant (1).
Genome position (GRCh38, 1-based): chr22:29,604,008, G>T. VCF-style: chr22-29604008-G-T. GRCh37 (hg19) VCF-style: chr22-29999997-G-T.
Other names: c.10G>T, p.Ala4Ser (NM_181825.3, NM_181828.3, NM_181829.3 and 5 more transcripts); short protein forms A4S.
Identifiers: ClinVar variation 1408684 (VCV001408684.10), dbSNP rs2146659577, ClinGen allele CA411145719.

ClinVar aggregate classification (germline): Uncertain significance. Review status: criteria provided, multiple submitters, no conflicts (2 of 4 stars). 3 submissions from 3 submitters: Uncertain significance (3). Last evaluated 2025-08-22.

Conditions:
Hereditary cancer-predisposing syndrome. Also called: Tumor predisposition; Neoplastic Syndromes, Hereditary; Hereditary Cancer Syndrome; Hereditary neoplastic syndrome. Identifiers: Orphanet 140162, MedGen C0027672, MeSH D009386, MONDO:0015356.
Neurofibromatosis, type 2 (SWNV). Also called: BILATERAL ACOUSTIC NEUROFIBROMATOSIS; NF2-Related Schwannomatosis; SCHWANNOMATOSIS, VESTIBULAR. Identifiers: Orphanet 637, MedGen C0027832, MONDO:0007039, OMIM 101000. Disease mechanism: loss of function.

Allele frequency attached by ClinVar (database versions not stated): gnomAD exomes below 0.00001.
gnomAD v4.1: 1 of 1,585,770 alleles (0.000063%); highest among the groups gnomAD compares: African/African-American, 0.0013%; no homozygotes.

Submissions (3):

Color Diagnostics, LLC DBA Color Health
Classification: Uncertain significance for Neurofibromatosis, type 2. Last evaluated: 2025-08-22. Review status: criteria provided, single submitter. Criteria: ACMG Guidelines, 2015. Collection method: clinical testing. Allele origin: germline.
Comment: This missense variant replaces alanine with serine at codon 4 of the NF2 protein. Computational prediction suggests that this variant may not impact protein structure and function. To our knowledge, functional studies have not been reported for this variant. This variant has not been reported in individuals affected with NF2-related disorders in the literature. This variant has not been identified in the general population by the Genome Aggregation Database (gnomAD). The available evidence is insufficient to determine the role of this variant in disease conclusively. Therefore, this variant is classified as a Variant of Uncertain Significance.

Ambry Genetics
Classification: Uncertain significance for Hereditary cancer-predisposing syndrome. Last evaluated: 2025-08-04. Review status: criteria provided, single submitter. Criteria: Ambry Variant Classification Scheme 2023. Collection method: clinical testing. Allele origin: germline.
Comment: The p.A4S variant (also known as c.10G>T), located in coding exon 1 of the NF2 gene, results from a G to T substitution at nucleotide position 10. The alanine at codon 4 is replaced by serine, an amino acid with similar properties. This amino acid position is highly conserved in available vertebrate species. In addition, the in silico prediction for this alteration is inconclusive. Based on the available evidence, the clinical significance of this variant remains unclear.

Labcorp Genetics (formerly Invitae), Labcorp
Classification: Uncertain significance for Neurofibromatosis, type 2. Last evaluated: 2023-02-14. Review status: criteria provided, single submitter. Criteria: Invitae Variant Classification Sherloc (09022015). Collection method: clinical testing. Allele origin: germline.
Comment: This sequence change replaces alanine, which is neutral and non-polar, with serine, which is neutral and polar, at codon 4 of the NF2 protein (p.Ala4Ser). This variant is not present in population databases (gnomAD no frequency). This variant has not been reported in the literature in individuals affected with NF2-related conditions. ClinVar contains an entry for this variant (Variation ID: 1408684). Algorithms developed to predict the effect of missense changes on protein structure and function are either unavailable or do not agree on the potential impact of this missense change (SIFT: "Deleterious"; PolyPhen-2: "Benign"; Align-GVGD: "Class C0"). In summary, the available evidence is currently insufficient to determine the role of this variant in disease. Therefore, it has been classified as a Variant of Uncertain Significance.